The following is an entry in ClinVar:

ClinVar aggregate classification (germline): Uncertain significance. Review status: criteria provided, multiple submitters, no conflicts (2 of 4 stars). 3 submissions from 3 submitters: Uncertain significance (3). Last evaluated 2026-05-20.

Conditions:
Heterotopia, periventricular, X-linked dominant (PVNH1). Also called: PERIVENTRICULAR NODULAR HETEROTOPIA 4; HETEROTOPIA, PERIVENTRICULAR, 1; PERIVENTRICULAR NODULAR HETEROTOPIA 1; X-linked periventricular heterotopia. Identifiers: Orphanet 2149, Orphanet 82004, MedGen C1848213, MONDO:0010233, OMIM 300049.
Melnick-Needles syndrome (MNS). Also called: MELNICK-NEEDLES OSTEODYSPLASTY; OSTEODYSPLASTY OF MELNICK AND NEEDLES; Melnick-Needles Syndrome (FLNA-MNS). Identifiers: Orphanet 2484, MedGen C0025237, MONDO:0010650, OMIM 309350.
Oto-palato-digital syndrome, type II (OPD2). Also called: FACIOPALATOOSSEOUS SYNDROME; OPD II SYNDROME; Otopalatodigital Syndrome Type 2 (FLNA-OPD2); Otopalatodigital Syndrome, Type II. Identifiers: Orphanet 669, Orphanet 90652, MedGen C1844696, MONDO:0010571, OMIM 304120.
Frontometaphyseal dysplasia (FMD1). Identifiers: Orphanet 1826, MedGen C0265293, MONDO:0015942.
Familial thoracic aortic aneurysm and aortic dissection (TAAD). Also called: Thoracic aortic aneurysms and dissections. Identifiers: Orphanet 91387, MedGen C4707243, MONDO:0019625.

Allele frequency attached by ClinVar (database versions not stated): gnomAD 0.00001; TOPMed 0.00001; gnomAD exomes 0.00001; ExAC 0.00002; ESP Exome Variant Server 0.00010.
gnomAD v4.1: 15 of 1,196,611 alleles (0.0013%); highest among the groups gnomAD compares: East Asian, 0.003%; no homozygotes.

Submissions (3):

Ambry Genetics
Classification: Uncertain significance for Familial thoracic aortic aneurysm and aortic dissection. Last evaluated: 2026-05-20. Review status: criteria provided, single submitter. Criteria: Ambry Variant Classification Scheme 2023. Collection method: clinical testing. Allele origin: germline.
Comment: The p.V761M variant (also known as c.2281G>A) is located in coding exon 15 of the FLNA gene. The valine at codon 761 is replaced by methionine, an amino acid with highly similar properties. This change occurs in the first base pair of coding exon 15. This amino acid position is conserved. In addition, this alteration is predicted to be tolerated by in silico analysis. Based on the available evidence, the clinical significance of this variant remains unclear.

Mayo Clinic Laboratories, Mayo Clinic
Classification: Uncertain significance. Last evaluated: 2025-09-24. Review status: criteria provided, single submitter. Criteria: ACMG Guidelines, 2015. Collection method: clinical testing. Allele origin: germline. Observed: 1 variant allele.
Comment: PP2, PM2_supporting

Labcorp Genetics (formerly Invitae), Labcorp
Classification: Uncertain significance for Oto-palato-digital syndrome, type II; Heterotopia, periventricular, X-linked dominant; Frontometaphyseal dysplasia; Melnick-Needles syndrome. Last evaluated: 2024-03-30. Review status: criteria provided, single submitter. Criteria: Invitae Variant Classification Sherloc (09022015). Collection method: clinical testing. Allele origin: germline.
Comment: This sequence change replaces valine, which is neutral and non-polar, with methionine, which is neutral and non-polar, at codon 761 of the FLNA protein (p.Val761Met). This variant is present in population databases (rs375898586, gnomAD 0.009%). This variant has not been reported in the literature in individuals affected with FLNA-related conditions. ClinVar contains an entry for this variant (Variation ID: 1372179). An algorithm developed to predict the effect of missense changes on protein structure and function (PolyPhen-2) suggests that this variant is likely to be disruptive. In summary, the available evidence is currently insufficient to determine the role of this variant in disease. Therefore, it has been classified as a Variant of Uncertain Significance.

NM_001110556.2(FLNA):c.2281G>A (p.Val761Met)

Gene: FLNA (filamin A; minus strand). Cytogenetic location: Xq28.
Variant type: single nucleotide variant.
Coding change: c.2281G>A on transcript NM_001110556.2 (MANE Select); coding-DNA position 2281, G replaced by A.
Protein change: p.Val761Met; replaces valine 761 with methionine.
Molecular consequence: missense variant.
Genome position (GRCh38, 1-based): chrX:154,362,784, C>T on the plus strand (G>A on the coding strand, the complement: FLNA is on the minus strand). VCF-style: chrX-154362784-C-T. GRCh37 (hg19) VCF-style: chrX-153591152-C-T.
Other names: p.Val761Met; c.2281G>A (NM_001456.3); c.2281G>A, p.Val761Met (NM_001456.4); short protein forms V761M.
Identifiers: ClinVar variation 1372179 (VCV001372179.10), dbSNP rs375898586, ClinGen allele CA10560962.
Genomic context (GRCh38, chrX:154,362,784, plus strand): 5'-TGGCTACTCCGGGGCCGTATACTTTGACCTTGTTGGGGTGGCTGCCAGCTCCCACATTCA[C>T]CTGCAGGGCACAGGGGCAAGGGCAAGGGCATGAGCAGCCTGGAGGAGACTCAGAAGCTCC-3'
Protein context (NP_001104026.1, residues 751-771): GVSIPNSPFR[Val761Met]NVGAGSHPNK